The following is an entry in ClinVar:

NM_007294.4(BRCA1):c.4186-3910T>C

Gene: BRCA1 (BRCA1 DNA repair associated; minus strand). Cytogenetic location: 17q21.31.
Variant type: single nucleotide variant.
Coding change: c.4186-3910T>C on transcript NM_007294.4 (MANE Select); 3910 bases into the intron before coding-DNA position 4186, T replaced by C.
Molecular consequence: intron variant.
Genome position (GRCh38, 1-based): chr17:43,086,485, A>G on the plus strand (T>C on the coding strand, the complement: BRCA1 is on the minus strand). VCF-style: chr17-43086485-A-G. GRCh37 (hg19) VCF-style: chr17-41238502-A-G.
Other names: IVS 12-3910T>C; c.4183-3913T>C (NM_001407630.1, NM_001407632.1, NM_001407644.1 and 5 more transcripts); c.4183-3910T>C (NM_001407633.1, NM_001407615.1, NM_001407591.1 and 14 more transcripts); c.754-3913T>C (NM_001408441.1, NM_001408442.1, NM_001408444.1 and 1 more transcripts); c.754-3910T>C (NM_001408437.1, NM_001408429.1, NM_001408426.1 and 8 more transcripts); c.4063-3913T>C (NM_001407683.1, NM_001407674.1, NM_001407682.1 and 3 more transcripts); c.4063-3910T>C (NM_001407939.1, NM_001407677.1, NM_001407919.1 and 13 more transcripts); c.877-3913T>C (NM_001407979.1, NM_001407982.1, NM_001407980.1 and 6 more transcripts); and 65 more.
Identifiers: ClinVar variation 209422 (VCV000209422.2), dbSNP rs151196052, ClinGen allele CA276394.
Genomic context (GRCh38, chr17:43,086,485, plus strand): 5'-CTATCATCTATATACTTTTTCTCGGTTCAGTACAAAAAGGGAAAAAAAAATCCCACTTCA[A>G]TAGTTTTTCCTGCCTGTGCTACTTTAGACGTAAGACAGCCTGAAATCTGACTTCAACGGT-3'

ClinVar aggregate classification (germline): Benign (3 of 4 stars; one submission).

Conditions:
Breast-ovarian cancer, familial, susceptibility to, 1 (BROVCA1). Also called: BRCA1 Hereditary Breast and Ovarian Cancer; OVARIAN CANCER, SUSCEPTIBILITY TO. Identifiers: Orphanet 145, MedGen C2676676, MONDO:0011450, OMIM 604370. Disease mechanism: loss of function.

Allele frequency attached by ClinVar (database versions not stated): gnomAD 0.00046 and 0.00062; TOPMed 0.00088; 1000 Genomes Project 0.00120; 1000 Genomes Project 30x 0.00156.
gnomAD v4.1: 93 of 152,302 alleles (0.061%); highest among the groups gnomAD compares: East Asian, 0.73%; 1 homozygote.

Submission:

Evidence-based Network for the Interpretation of Germline Mutant Alleles (ENIGMA)
Classification: Benign for Breast-ovarian cancer, familial 1. Last evaluated: 2015-01-12. Review status: reviewed by expert panel. Criteria: ENIGMA BRCA1/2 Classification Criteria (2015). Collection method: curation. Allele origin: germline.
Comment: Class 1 not pathogenic based on frequency >1% in an outbred sampleset. Frequency 0.01049 (Asian), derived from 1000 genomes (2012-04-30).